The following is an entry in ClinVar:

NM_001164508.2(NEB):c.6067A>G (p.Met2023Val)

Gene: NEB (nebulin; minus strand). Cytogenetic location: 2q23.3.
Variant type: single nucleotide variant.
Coding change: c.6067A>G on transcript NM_001164508.2 (MANE Select); coding-DNA position 6067, A replaced by G.
Protein change: p.Met2023Val; replaces methionine 2023 with valine.
Molecular consequence: missense variant.
Genome position (GRCh38, 1-based): chr2:151,659,073, T>C on the plus strand (A>G on the coding strand, the complement: NEB is on the minus strand). VCF-style: chr2-151659073-T-C. GRCh37 (hg19) VCF-style: chr2-152515587-T-C.
Other names: c.6067A>G, p.Met2023Val (NM_001164507.2, NM_001271208.2, NM_004543.5); short protein forms M2023V.
Identifiers: ClinVar variation 331498 (VCV000331498.38), dbSNP rs779481792, ClinGen allele CA1910195.

ClinVar aggregate classification (germline): Conflicting classifications of pathogenicity. Review status: criteria provided, conflicting classifications (1 of 4 stars). 5 submissions from 5 submitters: Uncertain significance (3); Benign (1). 1 of the submissions does not count toward it. Last evaluated 2025-12-26.

Conditions:
Nemaline myopathy 2 (NEM2). Also called: Nemaline myopathy 2, autosomal recessive. Identifiers: MedGen C1850569, MONDO:0009725, OMIM 256030.

Allele frequency attached by ClinVar (database versions not stated): gnomAD exomes 0.00002 and 0.00006; TOPMed 0.00002; gnomAD 0.00003; ExAC 0.00004.
gnomAD v4.1: 39 of 1,598,802 alleles (0.0024%); highest among the groups gnomAD compares: Non-Finnish European, 0.0006%; no homozygotes.

Submissions (5):

Labcorp Genetics (formerly Invitae), Labcorp
Classification: Benign for Nemaline myopathy 2. Last evaluated: 2025-12-26. Review status: criteria provided, single submitter. Criteria: Invitae Variant Classification Sherloc (09022015). Collection method: clinical testing. Allele origin: germline.

CeGaT Center for Human Genetics Tuebingen
Classification: Uncertain significance. Last evaluated: 2024-01-01. Review status: criteria provided, single submitter. Criteria: CeGaT Center For Human Genetics Tuebingen Variant Classification Criteria Version 2. Collection method: clinical testing. Allele origin: germline. Affected: yes. Observed: 1 variant allele.
Comment: NEB: PM2, PP3

Revvity Omics, Revvity
Classification: Uncertain significance. Last evaluated: 2019-04-03. Review status: criteria provided, single submitter. Criteria: ACMG Guidelines, 2015. Collection method: clinical testing. Allele origin: germline.

Illumina Laboratory Services, Illumina
Classification: Uncertain significance for Nemaline myopathy 2. Last evaluated: 2018-01-13. Review status: criteria provided, single submitter. Criteria: ICSL Variant Classification Criteria 13 December 2019. Collection method: clinical testing. Allele origin: germline.

Natera, Inc.
Classification: Uncertain significance for Nemaline myopathy type 2. Last evaluated: 2019-11-11. Review status: no assertion criteria provided. Collection method: clinical testing. Allele origin: germline. Not counted in ClinVar's aggregate classification.